The following is an entry in ClinVar:

ClinVar aggregate classification (germline): Uncertain significance (1 of 4 stars; one submission).

Submission:

Women's Health and Genetics/Laboratory Corporation of America, LabCorp
Classification: Uncertain significance. Last evaluated: 2025-02-24. Review status: criteria provided, single submitter. Criteria: LabCorp Variant Classification Summary - May 2015. Collection method: clinical testing. Allele origin: germline.
Comment: Variant summary: TUBB2B c.1200C>T alters a non-conserved nucleotide resulting in a synonymous change. Several computational tools predict a significant impact on normal splicing: Four predict the variant creates a 5' donor site. However, these predictions have yet to be confirmed by functional studies. The variant allele was found at a frequency of 4e-06 in 247500 control chromosomes. The available data on variant occurrences in the general population are insufficient to allow any conclusion about variant significance. To our knowledge, no occurrence of c.1200C>T in individuals affected with Complex Cortical Dysplasia With Other Brain Malformations 7 and no experimental evidence demonstrating its impact on protein function have been reported. No submitters have cited clinical-significance assessments for this variant to ClinVar. Based on the evidence outlined above, the variant was classified as uncertain significance.

NM_178012.5(TUBB2B):c.1200C>T (p.Gly400=)

Gene: TUBB2B (tubulin beta 2B class IIb; minus strand). Cytogenetic location: 6p25.2.
Variant type: single nucleotide variant.
Coding change: c.1200C>T on transcript NM_178012.5 (MANE Select); coding-DNA position 1200, C replaced by T.
Protein change: p.Gly400=; no amino-acid change (glycine 400 retained).
Molecular consequence: synonymous variant.
Genome position (GRCh38, 1-based): chr6:3,224,889, G>A on the plus strand (C>T on the coding strand, the complement: TUBB2B is on the minus strand). VCF-style: chr6-3224889-G-A. GRCh37 (hg19) VCF-style: chr6-3225123-G-A.
Identifiers: ClinVar variation 3768870 (VCV003768870.1).